The following is an entry in ClinVar:

ClinVar aggregate classification (germline): Uncertain significance. Review status: criteria provided, multiple submitters, no conflicts (2 of 4 stars). 2 submissions from 2 submitters: Uncertain significance (2). Last evaluated 2025-11-10.

Conditions:
Inborn genetic diseases. Identifiers: MedGen C0950123, MeSH D030342.

Submissions (2):

Labcorp Genetics (formerly Invitae), Labcorp
Classification: Uncertain significance. Last evaluated: 2025-11-10. Review status: criteria provided, single submitter. Criteria: Invitae Variant Classification Sherloc (09022015). Collection method: clinical testing. Allele origin: germline.
Comment: This sequence change replaces threonine, which is neutral and polar, with lysine, which is basic and polar, at codon 1479 of the DOCK6 protein (p.Thr1479Lys). This variant is present in population databases (rs747412730, gnomAD 0.03%). This variant has not been reported in the literature in individuals affected with DOCK6-related conditions. ClinVar contains an entry for this variant (Variation ID: 2182735). Invitae Evidence Modeling of protein sequence and biophysical properties (such as structural, functional, and spatial information, amino acid conservation, physicochemical variation, residue mobility, and thermodynamic stability) indicates that this missense variant is not expected to disrupt DOCK6 protein function with a negative predictive value of 80%. In summary, the available evidence is currently insufficient to determine the role of this variant in disease. Therefore, it has been classified as a Variant of Uncertain Significance.

Ambry Genetics
Classification: Uncertain significance for Inborn genetic diseases. Last evaluated: 2025-06-30. Review status: criteria provided, single submitter. Criteria: Ambry Variant Classification Scheme 2023. Collection method: clinical testing. Allele origin: germline.

NM_020812.4(DOCK6):c.4436C>A (p.Thr1479Lys)

Genes: DOCK6 (dedicator of cytokinesis 6; minus strand), DOCK6-AS1 (DOCK6 antisense RNA 1; plus strand). Cytogenetic location: 19p13.2.
Variant type: single nucleotide variant.
Coding change: c.4436C>A on transcript NM_020812.4 (MANE Select); coding-DNA position 4436, C replaced by A.
Protein change: p.Thr1479Lys; replaces threonine 1479 with lysine.
Molecular consequence: missense variant.
Genome position (GRCh38, 1-based): chr19:11,213,231, G>T on the plus strand (C>A on the coding strand, the complement: DOCK6 is on the minus strand). VCF-style: chr19-11213231-G-T. GRCh37 (hg19) VCF-style: chr19-11323907-G-T.
Other names: c.4541C>A, p.Thr1514Lys (NM_001367830.1); c.4436C>A (NM_020812.2); short protein forms T1514K, T1479K.
Identifiers: ClinVar variation 2182735 (VCV002182735.4), dbSNP rs747412730, ClinGen allele CA9206859.